The following is an entry in ClinVar:

ClinVar aggregate classification (germline): Uncertain significance (1 of 4 stars; one submission).

Allele frequency attached by ClinVar (database versions not stated): gnomAD 0.00001.
gnomAD v4.1: 1 of 1,613,980 alleles (0.000062%); highest among the groups gnomAD compares: Admixed American, 0.0017%; no homozygotes.

Submission:

Labcorp Genetics (formerly Invitae), Labcorp
Classification: Uncertain significance. Last evaluated: 2024-11-11. Review status: criteria provided, single submitter. Criteria: Invitae Variant Classification Sherloc (09022015). Collection method: clinical testing. Allele origin: germline.
Comment: This sequence change replaces isoleucine, which is neutral and non-polar, with threonine, which is neutral and polar, at codon 154 of the CLCN2 protein (p.Ile154Thr). This variant is not present in population databases (gnomAD no frequency). This variant has not been reported in the literature in individuals affected with CLCN2-related conditions. ClinVar contains an entry for this variant (Variation ID: 2149565). Invitae Evidence Modeling of protein sequence and biophysical properties (such as structural, functional, and spatial information, amino acid conservation, physicochemical variation, residue mobility, and thermodynamic stability) has been performed for this missense variant. However, the output from this modeling did not meet the statistical confidence thresholds required to predict the impact of this variant on CLCN2 protein function. In summary, the available evidence is currently insufficient to determine the role of this variant in disease. Therefore, it has been classified as a Variant of Uncertain Significance.

NM_004366.6(CLCN2):c.461T>C (p.Ile154Thr)

Gene: CLCN2 (chloride voltage-gated channel 2; minus strand). Cytogenetic location: 3q27.1.
Variant type: single nucleotide variant.
Coding change: c.461T>C on transcript NM_004366.6 (MANE Select); coding-DNA position 461, T replaced by C.
Protein change: p.Ile154Thr; replaces isoleucine 154 with threonine.
Molecular consequence: missense variant.
Genome position (GRCh38, 1-based): chr3:184,358,202, A>G on the plus strand (T>C on the coding strand, the complement: CLCN2 is on the minus strand). VCF-style: chr3-184358202-A-G. GRCh37 (hg19) VCF-style: chr3-184075990-A-G.
Other names: c.461T>C, p.Ile154Thr (NM_001171087.3, NM_001171089.3); c.329T>C, p.Ile110Thr (NM_001171088.3); short protein forms I154T, I110T.
Identifiers: ClinVar variation 2149565 (VCV002149565.4), dbSNP rs1711542657, ClinGen allele CA355457058.